The following is an entry in ClinVar:

NM_000229.2(LCAT):c.925C>G (p.Leu309Val)

Gene: LCAT (lecithin-cholesterol acyltransferase; minus strand). Cytogenetic location: 16q22.1.
Variant type: single nucleotide variant.
Coding change: c.925C>G on transcript NM_000229.2 (MANE Select); coding-DNA position 925, C replaced by G.
Protein change: p.Leu309Val; replaces leucine 309 with valine.
Molecular consequence: missense variant.
Genome position (GRCh38, 1-based): chr16:67,940,302, G>C on the plus strand (C>G on the coding strand, the complement: LCAT is on the minus strand). VCF-style: chr16-67940302-G-C. GRCh37 (hg19) VCF-style: chr16-67974205-G-C.
Other names: short protein forms L309V.
Identifiers: ClinVar variation 1766361 (VCV001766361.3), dbSNP rs149389101, ClinGen allele CA8120932.

ClinVar aggregate classification (germline): Uncertain significance. Review status: criteria provided, multiple submitters, no conflicts (2 of 4 stars). 2 submissions from 2 submitters: Uncertain significance (2). Last evaluated 2024-05-28.

Conditions:
Cardiovascular phenotype. Identifiers: MedGen CN230736.
Norum disease. Also called: Familial lecithin cholesterol acyltransferase deficiency. Identifiers: Orphanet 79293, MedGen C0023195, MONDO:0009515, OMIM 245900.
Fish-eye disease (FED). Also called: ALPHA-LCAT DEFICIENCY; DYSLIPOPROTEINEMIC CORNEAL DYSTROPHY; LCATA DEFICIENCY. Identifiers: Orphanet 650, Orphanet 79292, MedGen C0342895, MONDO:0007620, OMIM 136120.

Allele frequency attached by ClinVar (database versions not stated): gnomAD 0.00002; 1000 Genomes Project 30x 0.00016; 1000 Genomes Project 0.00020.

Submissions (2):

Fulgent Genetics
Classification: Uncertain significance for Fish-eye disease; Norum disease. Last evaluated: 2024-05-28. Review status: criteria provided, single submitter. Criteria: ACMG Guidelines, 2015. Collection method: clinical testing. Allele origin: germline.

Ambry Genetics
Classification: Uncertain significance for Cardiovascular phenotype. Last evaluated: 2022-01-17. Review status: criteria provided, single submitter. Criteria: Ambry Variant Classification Scheme 2023. Collection method: clinical testing. Allele origin: germline.
Comment: The p.L309V variant (also known as c.925C>G), located in coding exon 6 of the LCAT gene, results from a C to G substitution at nucleotide position 925. The leucine at codon 309 is replaced by valine, an amino acid with highly similar properties. This amino acid position is conserved. In addition, this alteration is predicted to be tolerated by in silico analysis. Since supporting evidence is limited at this time, the clinical significance of this alteration remains unclear.